The following is an entry in ClinVar:

NM_201384.3(PLEC):c.13511G>C (p.Gly4504Ala)

Gene: PLEC (plectin; minus strand). Cytogenetic location: 8q24.3.
Variant type: single nucleotide variant.
Coding change: c.13511G>C on transcript NM_201384.3 (MANE Select); coding-DNA position 13511, G replaced by C.
Protein change: p.Gly4504Ala; replaces glycine 4504 with alanine.
Molecular consequence: missense variant.
Genome position (GRCh38, 1-based): chr8:143,916,310, C>G on the plus strand (G>C on the coding strand, the complement: PLEC is on the minus strand). VCF-style: chr8-143916310-C-G. GRCh37 (hg19) VCF-style: chr8-144990478-C-G.
Other names: c.13592G>C, p.Gly4531Ala (NM_000445.5); c.13469G>C, p.Gly4490Ala (NM_201378.4); c.13445G>C, p.Gly4482Ala (NM_201379.3); c.13922G>C, p.Gly4641Ala (NM_201380.4); c.13415G>C, p.Gly4472Ala (NM_201381.3); c.13511G>C, p.Gly4504Ala (NM_201382.4); c.13523G>C, p.Gly4508Ala (NM_201383.3); short protein forms G4472A, G4504A, G4508A, G4490A, G4531A, G4641A, G4482A.
Identifiers: ClinVar variation 942120 (VCV000942120.11), dbSNP rs1554668587, ClinGen allele CA372474087.
Genomic context (GRCh38, chr8:143,916,310, plus strand): 5'-GAGGAGTAGGAGGATGAAGAGAAGGTCATGGAGAAGCCGGAGCCGGTGGCGTCAAAGCTG[C>G]CGCGGCGGGAGCCGGCCCGGGAGCCGGTGCGCGAGCCGGTGCGGGAGCCAGCGGTAGAGC-3'
Protein context (NP_958786.1, residues 4494-4514): RTGSRAGSRR[Gly4504Ala]SFDATGSGFS

ClinVar aggregate classification (germline): Conflicting classifications of pathogenicity. Review status: criteria provided, conflicting classifications (1 of 4 stars). 2 submissions from 2 submitters: Uncertain significance (1); Likely benign (1). Last evaluated 2023-10-13.

Conditions:
Epidermolysis bullosa simplex 5B, with muscular dystrophy (EBS5B). Also called: EPIDERMOLYSIS BULLOSA SIMPLEX AND LIMB-GIRDLE MUSCULAR DYSTROPHY; Epidermolysis bullosa simplex with muscular dystrophy. Identifiers: Orphanet 257, MedGen C2931072, MONDO:0009181, OMIM 226670.
Autosomal recessive limb-girdle muscular dystrophy type 2Q (LGMDR17). Also called: MUSCULAR DYSTROPHY, LIMB-GIRDLE, AUTOSOMAL RECESSIVE 17. Identifiers: Orphanet 254361, MedGen C3150989, MONDO:0013390, OMIM 613723.
Epidermolysis bullosa simplex with nail dystrophy (EBS5D). Identifiers: MedGen C4225309, MONDO:0014661, OMIM 616487.
Epidermolysis bullosa simplex, Ogna type (EBS5A). Also called: Pidermolysis bullosa simplex 5A, Ogna type; EPIDERMOLYSIS BULLOSA SIMPLEX 5A, OGNA TYPE. Identifiers: Orphanet 79401, MedGen C0432317, MONDO:0007555, OMIM 131950.
Epidermolysis bullosa simplex 5C, with pyloric atresia (EBS5C). Also called: Epidermolysis bullosa simplex with pyloric atresia; PLEC-Related Epidermolysis Bullosa with Pyloric Atresia; PLEC1-Related Epidermolysis Bullosa with Pyloric Atresia. Identifiers: Orphanet 158684, MedGen C2677349, MONDO:0012807, OMIM 612138.

Allele frequency attached by ClinVar (database versions not stated): gnomAD exomes 0.00001.
gnomAD v4.1: 2 of 1,581,236 alleles (0.00013%); highest among the groups gnomAD compares: Non-Finnish European, 0.00017%; no homozygotes.

Submissions (2):

Labcorp Genetics (formerly Invitae), Labcorp
Classification: Uncertain significance for Autosomal recessive limb-girdle muscular dystrophy type 2Q; Epidermolysis bullosa simplex, Ogna type; Epidermolysis bullosa simplex with nail dystrophy; Epidermolysis bullosa simplex 5C, with pyloric atresia; Epidermolysis bullosa simplex 5B, with muscular dystrophy. Last evaluated: 2023-10-13. Review status: criteria provided, single submitter. Criteria: Invitae Variant Classification Sherloc (09022015). Collection method: clinical testing. Allele origin: germline.
Comment: This sequence change replaces glycine, which is neutral and non-polar, with alanine, which is neutral and non-polar, at codon 4531 of the PLEC protein (p.Gly4531Ala). This variant is present in population databases (no rsID available, gnomAD 0.001%). This variant has not been reported in the literature in individuals affected with PLEC-related conditions. ClinVar contains an entry for this variant (Variation ID: 942120). Advanced modeling of protein sequence and biophysical properties (such as structural, functional, and spatial information, amino acid conservation, physicochemical variation, residue mobility, and thermodynamic stability) performed at Invitae indicates that this missense variant is not expected to disrupt PLEC protein function. In summary, the available evidence is currently insufficient to determine the role of this variant in disease. Therefore, it has been classified as a Variant of Uncertain Significance.

Blueprint Genetics
Classification: Likely benign. Last evaluated: 2023-04-12. Review status: criteria provided, single submitter. Criteria: ACMG Guidelines, 2015. Collection method: clinical testing. Allele origin: germline.